The following is an entry in ClinVar:

ClinVar aggregate classification (germline): Uncertain significance (1 of 4 stars; one submission).

Conditions:
Dyskeratosis congenita. Identifiers: Orphanet 1775, MedGen C0265965, MONDO:0015780.

Submission:

Labcorp Genetics (formerly Invitae), Labcorp
Classification: Uncertain significance for Dyskeratosis congenita. Last evaluated: 2019-07-19. Review status: criteria provided, single submitter. Criteria: Invitae Variant Classification Sherloc (09022015). Collection method: clinical testing. Allele origin: germline.
Comment: This sequence change replaces serine with asparagine at codon 451 of the DKC1 protein (p.Ser451Asn). The serine residue is weakly conserved and there is a small physicochemical difference between serine and asparagine. This variant is not present in population databases (ExAC no frequency). This variant has not been reported in the literature in individuals with DKC1-related conditions. Algorithms developed to predict the effect of missense changes on protein structure and function (SIFT, PolyPhen-2, Align-GVGD) all suggest that this variant is likely to be tolerated, but these predictions have not been confirmed by published functional studies and their clinical significance is uncertain. In summary, the available evidence is currently insufficient to determine the role of this variant in disease. Therefore, it has been classified as a Variant of Uncertain Significance.

NM_001363.5(DKC1):c.1352G>A (p.Ser451Asn)

Gene: DKC1 (dyskerin pseudouridine synthase 1; plus strand). Cytogenetic location: Xq28.
Variant type: single nucleotide variant.
Coding change: c.1352G>A on transcript NM_001363.5 (MANE Select); coding-DNA position 1352, G replaced by A.
Protein change: p.Ser451Asn; replaces serine 451 with asparagine.
Molecular consequence: missense variant. On other transcripts: 3 prime UTR variant (1), non-coding transcript variant (3).
Genome position (GRCh38, 1-based): chrX:154,776,200, G>A. VCF-style: chrX-154776200-G-A. GRCh37 (hg19) VCF-style: chrX-154004475-G-A.
Other names: c.1337G>A, p.Ser446Asn (NM_001142463.3); c.*578G>A (NM_001288747.2); short protein forms S446N, S451N.
Identifiers: ClinVar variation 941784 (VCV000941784.9), dbSNP rs2071893244, ClinGen allele CA414899354.